The following is an entry in ClinVar:

NM_001366385.1(CARD14):c.2587G>A (p.Glu863Lys)

Genes: SGSH (N-sulfoglucosamine sulfohydrolase; minus strand), CARD14 (caspase recruitment domain family member 14; plus strand), LOC126862662 (MED14-independent group 3 enhancer GRCh37_chr17:78178385-78179584; plus strand). Cytogenetic location: 17q25.3.
Variant type: single nucleotide variant.
Coding change: c.2587G>A on transcript NM_001366385.1 (MANE Select); coding-DNA position 2587, G replaced by A.
Protein change: p.Glu863Lys; replaces glutamic acid 863 with lysine.
Molecular consequence: missense variant. On other transcripts: non-coding transcript variant (1).
Genome position (GRCh38, 1-based): chr17:80,205,548, G>A. VCF-style: chr17-80205548-G-A. GRCh37 (hg19) VCF-style: chr17-78179347-G-A.
Other names: c.2587G>A, p.Glu863Lys (NM_024110.4); c.2587G>A (NM_024110.3); short protein forms E863K.
Identifiers: ClinVar variation 2948872 (VCV002948872.4), dbSNP rs1187173821, ClinGen allele CA401356272.

ClinVar aggregate classification (germline): Uncertain significance. Review status: criteria provided, multiple submitters, no conflicts (2 of 4 stars). 2 submissions from 2 submitters: Uncertain significance (2). Last evaluated 2025-10-21.

Conditions:
Pityriasis rubra pilaris (PRP). Also called: Pityriasis rubra pilaris--familial type. Identifiers: Orphanet 2897, MedGen C0032027, MONDO:0100017, OMIM 173200, MONDO:0008251.
Psoriasis 2. Identifiers: MedGen C1864497, MONDO:0011269, OMIM 602723.
Inborn genetic diseases. Identifiers: MedGen C0950123, MeSH D030342.

Allele frequency attached by ClinVar (database versions not stated): gnomAD exomes below 0.00001; TOPMed below 0.00001; gnomAD 0.00001.
gnomAD v4.1: 6 of 1,585,884 alleles (0.00038%); highest among the groups gnomAD compares: Non-Finnish European, 0.00051%; no homozygotes.

Submissions (2):

Ambry Genetics
Classification: Uncertain significance for Inborn genetic diseases. Last evaluated: 2025-10-21. Review status: criteria provided, single submitter. Criteria: Ambry Variant Classification Scheme 2023. Collection method: clinical testing. Allele origin: germline.

Labcorp Genetics (formerly Invitae), Labcorp
Classification: Uncertain significance for Pityriasis rubra pilaris; Psoriasis 2. Last evaluated: 2023-06-15. Review status: criteria provided, single submitter. Criteria: Invitae Variant Classification Sherloc (09022015). Collection method: clinical testing. Allele origin: germline.
Comment: This sequence change replaces glutamic acid, which is acidic and polar, with lysine, which is basic and polar, at codon 863 of the CARD14 protein (p.Glu863Lys). This variant is not present in population databases (gnomAD no frequency). This variant has not been reported in the literature in individuals affected with CARD14-related conditions. Advanced modeling of protein sequence and biophysical properties (such as structural, functional, and spatial information, amino acid conservation, physicochemical variation, residue mobility, and thermodynamic stability) performed at Invitae indicates that this missense variant is expected to disrupt CARD14 protein function. In summary, the available evidence is currently insufficient to determine the role of this variant in disease. Therefore, it has been classified as a Variant of Uncertain Significance.